The following is an entry in ClinVar:

NM_001852.4(COL9A2):c.52G>A (p.Val18Ile)

Gene: COL9A2 (collagen type IX alpha 2 chain; minus strand). Cytogenetic location: 1p34.2.
Variant type: single nucleotide variant.
Coding change: c.52G>A on transcript NM_001852.4 (MANE Select); coding-DNA position 52, G replaced by A.
Protein change: p.Val18Ile; replaces valine 18 with isoleucine.
Molecular consequence: missense variant.
Genome position (GRCh38, 1-based): chr1:40,317,146, C>T on the plus strand (G>A on the coding strand, the complement: COL9A2 is on the minus strand). VCF-style: chr1-40317146-C-T. GRCh37 (hg19) VCF-style: chr1-40782818-C-T.
Other names: short protein forms V18I.
Identifiers: ClinVar variation 1717475 (VCV001717475.5), dbSNP rs1442572439, ClinGen allele CA339860830.
Genomic context (GRCh38, chr1:40,317,146, plus strand): 5'-CCCTGGACCCTGGCAGCGGAGGGGCTGCGAAACTTACAATCTGCGCCAGAGCGAGCACTA[C>T]CACCTGGAGGAGAACAAGGAGGCTGCGGGGGGAGGCCGTAGCGGCGGCCATGGCTGGCGG-3'
Protein context (NP_001843.1, residues 8-28): PRSLLVLLQV[Val18Ile]VLALAQIRGP

ClinVar aggregate classification (germline): Uncertain significance (1 of 4 stars; one submission).

Submission:

Labcorp Genetics (formerly Invitae), Labcorp
Classification: Uncertain significance. Last evaluated: 2022-08-21. Review status: criteria provided, single submitter. Criteria: Invitae Variant Classification Sherloc (09022015). Collection method: clinical testing. Allele origin: germline.
Comment: In summary, the available evidence is currently insufficient to determine the role of this variant in disease. Therefore, it has been classified as a Variant of Uncertain Significance. Algorithms developed to predict the effect of sequence changes on RNA splicing suggest that this variant may create or strengthen a splice site. Advanced modeling of protein sequence and biophysical properties (such as structural, functional, and spatial information, amino acid conservation, physicochemical variation, residue mobility, and thermodynamic stability) performed at Invitae indicates that this missense variant is not expected to disrupt COL9A2 protein function. This variant has not been reported in the literature in individuals affected with COL9A2-related conditions. The frequency data for this variant in the population databases is considered unreliable, as metrics indicate poor data quality at this position in the gnomAD database. This sequence change replaces valine, which is neutral and non-polar, with isoleucine, which is neutral and non-polar, at codon 18 of the COL9A2 protein (p.Val18Ile).